The following is an entry in ClinVar:

ClinVar aggregate classification (germline): Uncertain significance (1 of 4 stars; one submission).

Conditions:
Dilated cardiomyopathy 1M (CMD1M). Identifiers: Orphanet 154, MedGen C1843808, MONDO:0011840, OMIM 607482.
Hypertrophic cardiomyopathy 12. Identifiers: MedGen C2677491, MONDO:0012804, OMIM 612124.

gnomAD v4.1: 2 of 1,614,186 alleles (0.00012%); highest among the groups gnomAD compares: East Asian, 0.0022%; no homozygotes.

Submission:

Labcorp Genetics (formerly Invitae), Labcorp
Classification: Uncertain significance for Hypertrophic cardiomyopathy 12; Dilated cardiomyopathy 1M. Last evaluated: 2025-03-16. Review status: criteria provided, single submitter. Criteria: Invitae Variant Classification Sherloc (09022015). Collection method: clinical testing. Allele origin: germline.
Comment: This sequence change replaces cysteine, which is neutral and slightly polar, with phenylalanine, which is neutral and non-polar, at codon 120 of the CSRP3 protein (p.Cys120Phe). This variant is not present in population databases (gnomAD no frequency). This variant has not been reported in the literature in individuals affected with CSRP3-related conditions. An algorithm developed to predict the effect of missense changes on protein structure and function (PolyPhen-2) suggests that this variant is likely to be disruptive. In summary, the available evidence is currently insufficient to determine the role of this variant in disease. Therefore, it has been classified as a Variant of Uncertain Significance.

NM_003476.5(CSRP3):c.359G>T (p.Cys120Phe)

Gene: CSRP3 (cysteine and glycine rich protein 3; minus strand). Cytogenetic location: 11p15.1.
Variant type: single nucleotide variant.
Coding change: c.359G>T on transcript NM_003476.5 (MANE Select); coding-DNA position 359, G replaced by T.
Protein change: p.Cys120Phe; replaces cysteine 120 with phenylalanine.
Molecular consequence: missense variant.
Genome position (GRCh38, 1-based): chr11:19,186,271, C>A on the plus strand (G>T on the coding strand, the complement: CSRP3 is on the minus strand). VCF-style: chr11-19186271-C-A. GRCh37 (hg19) VCF-style: chr11-19207818-C-A.
Other names: c.190G>T, p.Ala64Ser (NM_001369404.1); short protein forms A64S, C120F.
Identifiers: ClinVar variation 4794380 (VCV004794380.1).